The following is an entry in ClinVar:

ClinVar aggregate classification (germline): Likely benign (1 of 4 stars; one submission).

Submission:

CeGaT Center for Human Genetics Tuebingen
Classification: Likely benign. Last evaluated: 2026-05-01. Review status: criteria provided, single submitter. Criteria: CeGaT Center For Human Genetics Tuebingen Variant Classification Criteria Version 2. Collection method: clinical testing. Allele origin: germline. Affected: yes. Observed: 1 variant allele.
Comment: RHOBTB2: PM2:Supporting, BP4, BP7

NM_015178.3(RHOBTB2):c.1728T>C (p.Ile576=)

Gene: RHOBTB2 (Rho related BTB domain containing 2; plus strand). Cytogenetic location: 8p21.3.
Variant type: single nucleotide variant.
Coding change: c.1728T>C on transcript NM_015178.3 (MANE Select); coding-DNA position 1728, T replaced by C.
Protein change: p.Ile576=; no amino-acid change (isoleucine 576 retained).
Molecular consequence: synonymous variant.
Genome position (GRCh38, 1-based): chr8:23,010,645, T>C. VCF-style: chr8-23010645-T-C. GRCh37 (hg19) VCF-style: chr8-22868158-T-C.
Other names: c.1794T>C, p.Ile598= (NM_001160036.2); c.1749T>C, p.Ile583= (NM_001160037.2); c.1728T>C, p.Ile576= (NM_001374791.1).
Identifiers: ClinVar variation 4873507 (VCV004873507.2).